The following is an entry in ClinVar:

ClinVar aggregate classification (germline): Uncertain significance (1 of 4 stars; one submission).

Submission:

Labcorp Genetics (formerly Invitae), Labcorp
Classification: Uncertain significance. Last evaluated: 2025-01-05. Review status: criteria provided, single submitter. Criteria: Invitae Variant Classification Sherloc (09022015). Collection method: clinical testing. Allele origin: germline.
Comment: This sequence change replaces tyrosine, which is neutral and polar, with phenylalanine, which is neutral and non-polar, at codon 1528 of the SPTA1 protein (p.Tyr1528Phe). This variant is not present in population databases (gnomAD no frequency). This variant has not been reported in the literature in individuals affected with SPTA1-related conditions. Invitae Evidence Modeling of protein sequence and biophysical properties (such as structural, functional, and spatial information, amino acid conservation, physicochemical variation, residue mobility, and thermodynamic stability) indicates that this missense variant is not expected to disrupt SPTA1 protein function with a negative predictive value of 80%. In summary, the available evidence is currently insufficient to determine the role of this variant in disease. Therefore, it has been classified as a Variant of Uncertain Significance.

NM_003126.4(SPTA1):c.4583A>T (p.Tyr1528Phe)

Gene: SPTA1 (spectrin alpha, erythrocytic 1; minus strand). Cytogenetic location: 1q23.1.
Variant type: single nucleotide variant.
Coding change: c.4583A>T on transcript NM_003126.4 (MANE Select); coding-DNA position 4583, A replaced by T.
Protein change: p.Tyr1528Phe; replaces tyrosine 1528 with phenylalanine.
Molecular consequence: missense variant.
Genome position (GRCh38, 1-based): chr1:158,642,836, T>A on the plus strand (A>T on the coding strand, the complement: SPTA1 is on the minus strand). VCF-style: chr1-158642836-T-A. GRCh37 (hg19) VCF-style: chr1-158612626-T-A.
Other names: short protein forms Y1528F.
Identifiers: ClinVar variation 3710525 (VCV003710525.2).
Genomic context (GRCh38, chr1:158,642,836, plus strand): 5'-AATGGTGAAATTTTCCAAGATTCCTATTTTGAACTTGCCTGAATGTTAGTGGCGTCTTTG[T>A]AGGATTCATCACAGGCTGTGGGCAGCATCTCACTGATCCATTCTTCCAGCTCCTCAAGGT-3'
Protein context (NP_003117.2, residues 1518-1538): EMLPTACDES[Tyr1528Phe]KDATNIQRKY